The following is an entry in ClinVar:

NM_002471.4(MYH6):c.843G>C (p.Glu281Asp)

Gene: MYH6 (myosin heavy chain 6; minus strand). Cytogenetic location: 14q11.2.
Variant type: single nucleotide variant.
Coding change: c.843G>C on transcript NM_002471.4 (MANE Select); coding-DNA position 843, G replaced by C.
Protein change: p.Glu281Asp; replaces glutamic acid 281 with aspartic acid.
Molecular consequence: missense variant.
Genome position (GRCh38, 1-based): chr14:23,403,403, C>G on the plus strand (G>C on the coding strand, the complement: MYH6 is on the minus strand). VCF-style: chr14-23403403-C-G. GRCh37 (hg19) VCF-style: chr14-23872612-C-G.
Other names: short protein forms E281D.
Identifiers: ClinVar variation 2631067 (VCV002631067.2), dbSNP rs112735414, ClinGen allele CA389028287.

ClinVar aggregate classification (germline): Uncertain significance (0 of 4 stars; one submission).

Conditions:
MYH6-related disorder. Also called: MYH6-related condition; MYH6-Related Disorders.

Submission:

PreventionGenetics, part of Exact Sciences
Classification: Uncertain significance for MYH6-related condition. Last evaluated: 2024-08-05. Review status: no assertion criteria provided. Collection method: clinical testing. Allele origin: germline.
Comment: The MYH6 c.843G>C variant is predicted to result in the amino acid substitution p.Glu281Asp. To our knowledge, this variant has not been reported in the literature or in a large population database, indicating this variant is rare. At this time, the clinical significance of this variant is uncertain due to the absence of conclusive functional and genetic evidence.